The following is an entry in ClinVar:

NM_004523.4(KIF11):c.152G>A (p.Ser51Asn)

Gene: KIF11 (kinesin family member 11; plus strand). Cytogenetic location: 10q23.33.
Variant type: single nucleotide variant.
Coding change: c.152G>A on transcript NM_004523.4 (MANE Select); coding-DNA position 152, G replaced by A.
Protein change: p.Ser51Asn; replaces serine 51 with asparagine.
Molecular consequence: missense variant.
Genome position (GRCh38, 1-based): chr10:92,606,339, G>A. VCF-style: chr10-92606339-G-A. GRCh37 (hg19) VCF-style: chr10-94366096-G-A.
Other names: short protein forms S51N.
Identifiers: ClinVar variation 3011547 (VCV003011547.3), dbSNP rs1844430705, ClinGen allele CA377587832.

ClinVar aggregate classification (germline): Uncertain significance (1 of 4 stars; one submission).

Allele frequency attached by ClinVar (database versions not stated): TOPMed below 0.00001.

Submission:

Labcorp Genetics (formerly Invitae), Labcorp
Classification: Uncertain significance. Last evaluated: 2023-03-10. Review status: criteria provided, single submitter. Criteria: Invitae Variant Classification Sherloc (09022015). Collection method: clinical testing. Allele origin: germline.
Comment: This sequence change replaces serine, which is neutral and polar, with asparagine, which is neutral and polar, at codon 51 of the KIF11 protein (p.Ser51Asn). This variant is not present in population databases (gnomAD no frequency). This variant has not been reported in the literature in individuals affected with KIF11-related conditions. Advanced modeling of protein sequence and biophysical properties (such as structural, functional, and spatial information, amino acid conservation, physicochemical variation, residue mobility, and thermodynamic stability) performed at Invitae indicates that this missense variant is not expected to disrupt KIF11 protein function. In summary, the available evidence is currently insufficient to determine the role of this variant in disease. Therefore, it has been classified as a Variant of Uncertain Significance.